The following is an entry in ClinVar:

NM_006031.6(PCNT):c.3130G>A (p.Gly1044Arg)

Gene: PCNT (pericentrin; plus strand). Cytogenetic location: 21q22.3.
Variant type: single nucleotide variant.
Coding change: c.3130G>A on transcript NM_006031.6 (MANE Select); coding-DNA position 3130, G replaced by A.
Protein change: p.Gly1044Arg; replaces glycine 1044 with arginine.
Molecular consequence: missense variant.
Genome position (GRCh38, 1-based): chr21:46,367,104, G>A. VCF-style: chr21-46367104-G-A. GRCh37 (hg19) VCF-style: chr21-47787019-G-A.
Other names: c.2776G>A, p.Gly926Arg (NM_001315529.2); short protein forms G1044R, G926R.
Identifiers: ClinVar variation 1348390 (VCV001348390.5), dbSNP rs771804321, ClinGen allele CA10079180.

ClinVar aggregate classification (germline): Uncertain significance (1 of 4 stars; one submission).

Allele frequency attached by ClinVar (database versions not stated): TOPMed below 0.00001; ExAC 0.00001; gnomAD 0.00001; gnomAD exomes 0.00001 and 0.00002.
gnomAD v4.1: 14 of 1,613,356 alleles (0.00087%); highest among the groups gnomAD compares: Middle Eastern, 0.016%; no homozygotes.

Submission:

Labcorp Genetics (formerly Invitae), Labcorp
Classification: Uncertain significance. Last evaluated: 2022-07-25. Review status: criteria provided, single submitter. Criteria: Invitae Variant Classification Sherloc (09022015). Collection method: clinical testing. Allele origin: germline.
Comment: This sequence change replaces glycine, which is neutral and non-polar, with arginine, which is basic and polar, at codon 1044 of the PCNT protein (p.Gly1044Arg). This variant is present in population databases (rs771804321, gnomAD 0.007%). This variant has not been reported in the literature in individuals affected with PCNT-related conditions. ClinVar contains an entry for this variant (Variation ID: 1348390). Algorithms developed to predict the effect of missense changes on protein structure and function output the following: SIFT: "Deleterious"; PolyPhen-2: "Benign"; Align-GVGD: "Class C0". The arginine amino acid residue is found in multiple mammalian species, which suggests that this missense change does not adversely affect protein function. In summary, the available evidence is currently insufficient to determine the role of this variant in disease. Therefore, it has been classified as a Variant of Uncertain Significance.